The following is an entry in ClinVar:

ClinVar aggregate classification (germline): Likely benign. Review status: criteria provided, multiple submitters, no conflicts (2 of 4 stars). 3 submissions from 3 submitters: Likely benign (3). Last evaluated 2026-09-21.

Conditions:
Dilated cardiomyopathy 1G (CMD1G). Identifiers: Orphanet 154, MedGen C1858763, MONDO:0011400, OMIM 604145.
Autosomal recessive limb-girdle muscular dystrophy type 2J (LGMDR10). Also called: Limb-girdle muscular dystrophy, type 2J; MUSCULAR DYSTROPHY, LIMB-GIRDLE, AUTOSOMAL RECESSIVE 10. Identifiers: Orphanet 140922, MedGen C1837342, MONDO:0012127, OMIM 608807.
Cardiovascular phenotype. Identifiers: MedGen CN230736.

Allele frequency attached by ClinVar (database versions not stated): TOPMed 0.00002; gnomAD 0.00001; gnomAD exomes 0.00002.
gnomAD v4.1: 15 of 1,611,228 alleles (0.00093%); highest among the groups gnomAD compares: South Asian, 0.0033%; no homozygotes.

Submissions (3):

Molecular Diagnostic Laboratory for Inherited Cardiovascular Disease, Montreal Heart Institute
Classification: Likely benign. Last evaluated: 2026-09-21. Review status: criteria provided, single submitter. Criteria: ACMG Guidelines, 2015. Collection method: clinical testing. Allele origin: germline. Affected: no.
Comment: BP7

Labcorp Genetics (formerly Invitae), Labcorp
Classification: Likely benign for Dilated cardiomyopathy 1G; Autosomal recessive limb-girdle muscular dystrophy type 2J. Last evaluated: 2025-10-14. Review status: criteria provided, single submitter. Criteria: Invitae Variant Classification Sherloc (09022015). Collection method: clinical testing. Allele origin: germline.

Ambry Genetics
Classification: Likely benign for Cardiovascular phenotype. Last evaluated: 2019-07-05. Review status: criteria provided, single submitter. Criteria: Ambry Variant Classification Scheme 2023. Collection method: clinical testing. Allele origin: germline.

NM_001267550.2(TTN):c.73821C>T (p.Thr24607=)

Genes: TTN (titin; minus strand), TTN-AS1 (TTN antisense RNA 1; plus strand). Cytogenetic location: 2q31.2.
Variant type: single nucleotide variant.
Coding change: c.73821C>T on transcript NM_001267550.2 (MANE Select); coding-DNA position 73821, C replaced by T.
Protein change: p.Thr24607=; no amino-acid change (threonine 24607 retained).
Molecular consequence: synonymous variant.
Genome position (GRCh38, 1-based): chr2:178,572,311, G>A on the plus strand (C>T on the coding strand, the complement: TTN is on the minus strand). VCF-style: chr2-178572311-G-A. GRCh37 (hg19) VCF-style: chr2-179437038-G-A.
Other names: c.68898C>T, p.Thr22966= (NM_001256850.1); c.46626C>T, p.Thr15542= (NM_003319.4); c.66117C>T, p.Thr22039= (NM_133378.4); c.47001C>T, p.Thr15667= (NM_133432.3); c.47202C>T, p.Thr15734= (NM_133437.4).
Identifiers: ClinVar variation 1141975 (VCV001141975.12), dbSNP rs1244080875, ClinGen allele CA430255873.
Genomic context (GRCh38, chr2:178,572,311, plus strand): 5'-ATCCATCAAAGTTATTTTTCCTGGAGGAAGAGGTCGTTCTGATGCTTTCACAGATTCTGC[G>A]GTTTCAGCAGGCAGCCCAATGCCATATTCATTTTCTGCGAGAACCCTGAAATAGTAGCTA-3'
Protein context (NP_001254479.2, residues 24597-24617): NEYGIGLPAE[Thr24607=]AESVKASERP